The following is an entry in ClinVar:

ClinVar aggregate classification (germline): Uncertain significance. Review status: criteria provided, multiple submitters, no conflicts (2 of 4 stars). 3 submissions from 3 submitters: Uncertain significance (3). Last evaluated 2024-10-17.

Conditions:
Lowry-Wood syndrome (LWS). Identifiers: Orphanet 1824, MedGen C0796021, MONDO:0009191, OMIM 226960.
Roifman syndrome (RFMN). Also called: SPONDYLOEPIPHYSEAL DYSPLASIA, RETINAL DYSTROPHY, AND ANTIBODY DEFICIENCY. Identifiers: Orphanet 353298, MedGen C1846059, MONDO:0014722, OMIM 616651.
Osteodysplastic primordial dwarfism, type 1 (MOPD1). Also called: BRACHYMELIC PRIMORDIAL DWARFISM; MOPD I; Microcephalic Osteodysplastic Primordial Dwarfism, Type I; Microcephalic Osteodysplastic Primordial Dwarfism Type I/III (MOPDI) / Taybi-Linder Syndrome; MICROCEPHALIC OSTEODYSPLASTIC PRIMORDIAL DWARFISM, TYPE III; MOPD III. Identifiers: Orphanet 2636, MedGen C1859452, MONDO:0008871, OMIM 210710.

Allele frequency attached by ClinVar (database versions not stated): ExAC 0.00019; 1000 Genomes Project 30x 0.00031; TOPMed 0.00034; gnomAD 0.00035 and 0.00037; 1000 Genomes Project 0.00040.
gnomAD v4.1: 211 of 700,388 alleles (0.03%); highest among the groups gnomAD compares: African/African-American, 0.068%; no homozygotes.

Submissions (3):

Blueprint Genetics
Classification: Uncertain significance. Last evaluated: 2024-10-17. Review status: criteria provided, single submitter. Criteria: ACMG Guidelines, 2015. Collection method: clinical testing. Allele origin: germline.

Labcorp Genetics (formerly Invitae), Labcorp
Classification: Uncertain significance. Last evaluated: 2023-12-26. Review status: criteria provided, single submitter. Criteria: Invitae Variant Classification Sherloc (09022015). Collection method: clinical testing. Allele origin: germline.
Comment: This variant occurs in the RNU4ATAC gene, which encodes an RNA molecule that does not result in a protein product. This variant is present in population databases (rs377619732, gnomAD 0.06%). This variant has not been reported in the literature in individuals affected with RNU4ATAC-related conditions. ClinVar contains an entry for this variant (Variation ID: 1478923). Experimental studies and prediction algorithms are not available or were not evaluated, and the functional significance of this variant is currently unknown. In summary, the available evidence is currently insufficient to determine the role of this variant in disease. Therefore, it has been classified as a Variant of Uncertain Significance.

Fulgent Genetics
Classification: Uncertain significance for Osteodysplastic primordial dwarfism, type 1; Lowry-Wood syndrome; Roifman syndrome. Last evaluated: 2022-05-03. Review status: criteria provided, single submitter. Criteria: ACMG Guidelines, 2015. Collection method: clinical testing. Allele origin: unknown.

NR_023343.3(RNU4ATAC):n.66G>A

Genes: RNU4ATAC (RNA, U4atac small nuclear; plus strand), CLASP1 (cytoplasmic linker associated protein 1; minus strand), CLASP1-AS1 (CLASP1 antisense RNA 1; plus strand). Cytogenetic location: 2q14.2.
Variant type: single nucleotide variant.
Molecular consequence: intron variant (on NM_001395891.1).
Genome position: GRCh38 VCF-style: chr2-121530945-G-A. GRCh37 (hg19) VCF-style: chr2-122288521-G-A.
Other names: c.196-620C>T (NM_001142274.2, NM_015282.3, NM_001378003.1 and 5 more transcripts).
Identifiers: ClinVar variation 1478923 (VCV001478923.6), dbSNP rs377619732, ClinGen allele CA1854715.